The following is an entry in ClinVar:

ClinVar aggregate classification (germline): Pathogenic (1 of 4 stars; one submission).

Conditions:
Fabry disease. Also called: CERAMIDE TRIHEXOSIDASE DEFICIENCY; GLA DEFICIENCY; HEREDITARY DYSTOPIC LIPIDOSIS; Fabry's disease; ALPHA-GALACTOSIDASE A DEFICIENCY; ANDERSON-FABRY DISEASE. Identifiers: Orphanet 324, MedGen C0002986, MONDO:0010526, OMIM 301500, HP:0001071. Disease mechanism: Fabry disease is due to inactivating mutations in the X-linked GLA gene resulting in deficiency of the enzyme Alpha Galactosidase-A., loss of function.

Submission:

Labcorp Genetics (formerly Invitae), Labcorp
Classification: Pathogenic for Fabry disease. Last evaluated: 2021-05-08. Review status: criteria provided, single submitter. Criteria: Invitae Variant Classification Sherloc (09022015). Collection method: clinical testing. Allele origin: germline.
Comment: This sequence change creates a premature translational stop signal (p.Ser241Ilefs*28) in the GLA gene. It is expected to result in an absent or disrupted protein product. Loss-of-function variants in GLA are known to be pathogenic (PMID: 10666480, 12175777). This variant is not present in population databases (ExAC no frequency). This variant has not been reported in the literature in individuals with GLA-related conditions. For these reasons, this variant has been classified as Pathogenic.

Literature cited by the submitters: PubMed 10666480; PubMed 12175777.

NM_000169.3(GLA):c.722del (p.Ser241fs)

Genes: GLA (galactosidase alpha; minus strand), RPL36A-HNRNPH2 (RPL36A-HNRNPH2 readthrough; plus strand). Cytogenetic location: Xq22.1.
Variant type: Deletion.
Coding change: c.722del on transcript NM_000169.3 (MANE Select); coding-DNA position 722, one base deleted (G; older notation c.722delG).
Protein change: p.Ser241fs; shifts the reading frame from serine 241.
Molecular consequence: frameshift variant. On other transcripts: non-coding transcript variant (3), intron variant (2).
Genome position (GRCh38, 1-based): chrX:101,398,864, C deleted on the plus strand (G on the coding strand, the reverse complement: GLA is on the minus strand). VCF-style (leftmost placement, unchanged base first): chrX-101398863-AC-A. GRCh37 (hg19) VCF-style: chrX-100653851-AC-A.
Other names: c.845del, p.Ser282fs (NM_001406747.1); c.722del, p.Ser241fs (NM_001406748.1); c.300+3407del (NM_001199973.2); c.177+7042del (NM_001199974.2); short protein forms S241fs, S282fs.
Identifiers: ClinVar variation 1460143 (VCV001460143.6), dbSNP rs2147473129, ClinGen allele CA2573159082.